The following is an entry in ClinVar:

ClinVar aggregate classification (germline): Uncertain significance (1 of 4 stars; one submission).

Conditions:
Dilated cardiomyopathy 1AA (CMD1AA). Also called: Cardiomyopathy, dilated, 1AA, with or without LVNC; CARDIOMYOPATHY, DILATED, 1AA, WITH OR WITHOUT LEFT VENTRICULAR NONCOMPACTION; CARDIOMYOPATHY, FAMILIAL HYPERTROPHIC, 23, WITH OR WITHOUT LEFT VENTRICULAR NONCOMPACTION. Identifiers: Orphanet 154, MedGen C2677338, MONDO:0012808, OMIM 612158.
Primary familial hypertrophic cardiomyopathy (HCM). Identifiers: Orphanet 99739, MedGen C0949658, MeSH D024741, MONDO:0024573. Inheritance: Various modes of inheritance.

Submission:

Labcorp Genetics (formerly Invitae), Labcorp
Classification: Uncertain significance for Primary familial hypertrophic cardiomyopathy; Dilated cardiomyopathy 1AA. Last evaluated: 2020-01-23. Review status: criteria provided, single submitter. Criteria: Invitae Variant Classification Sherloc (09022015). Collection method: clinical testing. Allele origin: germline.
Comment: Algorithms developed to predict the effect of missense changes on protein structure and function are either unavailable or do not agree on the potential impact of this missense change (SIFT: "Deleterious"; PolyPhen-2: "Benign"; Align-GVGD: "Class C25"). This sequence change replaces glutamine with proline at codon 314 of the ACTN2 protein (p.Gln314Pro). The glutamine residue is highly conserved and there is a moderate physicochemical difference between glutamine and proline. This variant is not present in population databases (ExAC no frequency). This variant has not been reported in the literature in individuals with ACTN2-related conditions. In summary, the available evidence is currently insufficient to determine the role of this variant in disease. Therefore, it has been classified as a Variant of Uncertain Significance.

NM_001103.4(ACTN2):c.941A>C (p.Gln314Pro)

Gene: ACTN2 (actinin alpha 2; plus strand). Cytogenetic location: 1q43.
Variant type: single nucleotide variant.
Coding change: c.941A>C on transcript NM_001103.4 (MANE Select); coding-DNA position 941, A replaced by C.
Protein change: p.Gln314Pro; replaces glutamine 314 with proline.
Molecular consequence: missense variant.
Genome position (GRCh38, 1-based): chr1:236,739,366, A>C. VCF-style: chr1-236739366-A-C. GRCh37 (hg19) VCF-style: chr1-236902666-A-C.
Other names: c.941A>C, p.Gln314Pro (NM_001278343.2); c.317A>C, p.Gln106Pro (NM_001278344.2); short protein forms Q106P, Q314P.
Identifiers: ClinVar variation 1051346 (VCV001051346.10), dbSNP rs2102922490, ClinGen allele CA345380211.
Genomic context (GRCh38, chr1:236,739,366, plus strand): 5'-TGGAATGGATTCGTCGCACGATCCCCTGGCTGGAGAACCGGACTCCCGAGAAGACCATGC[A>C]AGCCATGCAGAAGAAGCTGGAGGACTTCCGGGATTACCGCCGGAAGCACAAGCCACCCAA-3'
Protein context (NP_001094.1, residues 304-324): LENRTPEKTM[Gln314Pro]AMQKKLEDFR